The following is an entry in ClinVar:

ClinVar aggregate classification (germline): Likely benign. Review status: criteria provided, multiple submitters, no conflicts (2 of 4 stars). 3 submissions from 3 submitters: Likely benign (2). 1 of the submissions does not count toward it. Last evaluated 2025-11-10.

Conditions:
AXIN2-related disorder.
Oligodontia-cancer predisposition syndrome. Also called: TOOTH AGENESIS-COLORECTAL CANCER SYNDROME. Identifiers: Orphanet 300576, MedGen C1837750, MONDO:0012075, OMIM 608615. Disease mechanism: loss of function.
Hereditary cancer-predisposing syndrome. Also called: Neoplastic Syndromes, Hereditary; Tumor predisposition; Hereditary neoplastic syndrome; Hereditary Cancer Syndrome. Identifiers: Orphanet 140162, MedGen C0027672, MeSH D009386, MONDO:0015356.

Allele frequency attached by ClinVar (database versions not stated): gnomAD exomes below 0.00001 and 0.00001.
gnomAD v4.1: 2 of 1,613,642 alleles (0.00012%); no homozygotes.

Submissions (3):

Labcorp Genetics (formerly Invitae), Labcorp
Classification: Likely benign for Oligodontia-cancer predisposition syndrome. Last evaluated: 2025-11-10. Review status: criteria provided, single submitter. Criteria: Invitae Variant Classification Sherloc (09022015). Collection method: clinical testing. Allele origin: germline.

Ambry Genetics
Classification: Likely benign for Hereditary cancer-predisposing syndrome. Last evaluated: 2021-05-11. Review status: criteria provided, single submitter. Criteria: Ambry Variant Classification Scheme 2023. Collection method: clinical testing. Allele origin: germline.

PreventionGenetics, part of Exact Sciences
Classification: Likely benign for AXIN2-related condition. Last evaluated: 2019-03-20. Review status: no assertion criteria provided. Collection method: clinical testing. Allele origin: germline. Not counted in ClinVar's aggregate classification.
Comment: This variant is classified as likely benign based on ACMG/AMP sequence variant interpretation guidelines (Richards et al. 2015 PMID: 25741868, with internal and published modifications).

NM_004655.4(AXIN2):c.1914A>G (p.Gln638=)

Gene: AXIN2 (axin 2; minus strand). Cytogenetic location: 17q24.1.
Variant type: single nucleotide variant.
Coding change: c.1914A>G on transcript NM_004655.4 (MANE Select); coding-DNA position 1914, A replaced by G.
Protein change: p.Gln638=; no amino-acid change (glutamine 638 retained).
Molecular consequence: synonymous variant.
Genome position (GRCh38, 1-based): chr17:65,536,547, T>C on the plus strand (A>G on the coding strand, the complement: AXIN2 is on the minus strand). VCF-style: chr17-65536547-T-C. GRCh37 (hg19) VCF-style: chr17-63532665-T-C.
Other names: c.1719A>G, p.Gln573= (NM_001363813.1).
Identifiers: ClinVar variation 839072 (VCV000839072.12), dbSNP rs1282533521, ClinGen allele CA501691021.